The following is an entry in ClinVar:

NM_152703.5(SAMD9L):c.2566G>A (p.Ala856Thr)

Gene: SAMD9L (sterile alpha motif domain containing 9 like; minus strand). Cytogenetic location: 7q21.2.
Variant type: single nucleotide variant.
Coding change: c.2566G>A on transcript NM_152703.5 (MANE Select); coding-DNA position 2566, G replaced by A.
Protein change: p.Ala856Thr; replaces alanine 856 with threonine.
Molecular consequence: missense variant.
Genome position (GRCh38, 1-based): chr7:93,133,406, C>T on the plus strand (G>A on the coding strand, the complement: SAMD9L is on the minus strand). VCF-style: chr7-93133406-C-T. GRCh37 (hg19) VCF-style: chr7-92762719-C-T.
Other names: c.2566G>A, p.Ala856Thr (NM_001303496.3, NM_001303497.3, NM_001303498.3 and 5 more transcripts); c.2566G>A (NM_152703.2); short protein forms A856T.
Identifiers: ClinVar variation 3010118 (VCV003010118.4), dbSNP rs1490343423, ClinGen allele CA368187145.

ClinVar aggregate classification (germline): Uncertain significance. Review status: criteria provided, multiple submitters, no conflicts (2 of 4 stars). 2 submissions from 2 submitters: Uncertain significance (2). Last evaluated 2025-09-15.

Conditions:
Inborn genetic diseases. Identifiers: MedGen C0950123, MeSH D030342.

gnomAD v4.1: 5 of 1,613,636 alleles (0.00031%); highest among the groups gnomAD compares: Non-Finnish European, 0.00042%; no homozygotes.

Submissions (2):

Labcorp Genetics (formerly Invitae), Labcorp
Classification: Uncertain significance. Last evaluated: 2025-09-15. Review status: criteria provided, single submitter. Criteria: Invitae Variant Classification Sherloc (09022015). Collection method: clinical testing. Allele origin: germline.
Comment: This sequence change replaces alanine, which is neutral and non-polar, with threonine, which is neutral and polar, at codon 856 of the SAMD9L protein (p.Ala856Thr). This variant is present in population databases (no rsID available, gnomAD 0.0009%). This variant has not been reported in the literature in individuals affected with SAMD9L-related conditions. ClinVar contains an entry for this variant (Variation ID: 3010118). Invitae Evidence Modeling of protein sequence and biophysical properties (such as structural, functional, and spatial information, amino acid conservation, physicochemical variation, residue mobility, and thermodynamic stability) indicates that this missense variant is not expected to disrupt SAMD9L protein function with a negative predictive value of 80%. In summary, the available evidence is currently insufficient to determine the role of this variant in disease. Therefore, it has been classified as a Variant of Uncertain Significance.

Ambry Genetics
Classification: Uncertain significance for Inborn genetic diseases. Last evaluated: 2025-03-27. Review status: criteria provided, single submitter. Criteria: Ambry Variant Classification Scheme 2023. Collection method: clinical testing. Allele origin: germline.
Comment: The p.A856T variant (also known as c.2566G>A), located in coding exon 1 of the SAMD9L gene, results from a G to A substitution at nucleotide position 2566. The alanine at codon 856 is replaced by threonine, an amino acid with similar properties. This amino acid position is conserved. In addition, this alteration is predicted to be tolerated by in silico analysis. Based on the available evidence, the clinical significance of this variant remains unclear.